The following is an entry in ClinVar:

NM_000416.3(IFNGR1):c.674G>T (p.Gly225Val)

Gene: IFNGR1 (interferon gamma receptor 1; minus strand). Cytogenetic location: 6q23.3.
Variant type: single nucleotide variant.
Coding change: c.674G>T on transcript NM_000416.3 (MANE Select); coding-DNA position 674, G replaced by T.
Protein change: p.Gly225Val; replaces glycine 225 with valine.
Molecular consequence: missense variant.
Genome position (GRCh38, 1-based): chr6:137,203,558, C>A on the plus strand (G>T on the coding strand, the complement: IFNGR1 is on the minus strand). VCF-style: chr6-137203558-C-A. GRCh37 (hg19) VCF-style: chr6-137524695-C-A.
Other names: c.644G>T, p.Gly215Val (NM_001363526.1); c.551G>T, p.Gly184Val (NM_001363527.1); short protein forms G184V, G215V, G225V.
Identifiers: ClinVar variation 2134696 (VCV002134696.4), dbSNP rs374675376, ClinGen allele CA4018903.
Genomic context (GRCh38, chr6:137,203,558, plus strand): 5'-CCTTTTATACTGCTATTGAAAATGGTAATACAAACTTCTTTTGACTTTTCAGTTGTAACA[C>A]CCCACACATGTAAGACTCCTTCTGCTGAAACACAGTACTGAGAATTCAGTGAGGATACTG-3'
Protein context (NP_000407.1, residues 215-235): VSAEGVLHVW[Gly225Val]VTTEKSKEVC

ClinVar aggregate classification (germline): Uncertain significance (1 of 4 stars; one submission).

Conditions:
Disseminated atypical mycobacterial infection. Identifiers: MedGen C0694566.

Allele frequency attached by ClinVar (database versions not stated): TOPMed below 0.00001; ExAC 0.00001; gnomAD 0.00001; ESP Exome Variant Server 0.00008.
gnomAD v4.1: 4 of 1,613,314 alleles (0.00025%); highest among the groups gnomAD compares: Non-Finnish European, 0.00034%; no homozygotes.

Submission:

Labcorp Genetics (formerly Invitae), Labcorp
Classification: Uncertain significance for Disseminated atypical mycobacterial infection. Last evaluated: 2022-08-24. Review status: criteria provided, single submitter. Criteria: Invitae Variant Classification Sherloc (09022015). Collection method: clinical testing. Allele origin: germline.
Comment: This sequence change replaces glycine, which is neutral and non-polar, with valine, which is neutral and non-polar, at codon 225 of the IFNGR1 protein (p.Gly225Val). This variant is present in population databases (rs374675376, gnomAD 0.002%). This variant has not been reported in the literature in individuals affected with IFNGR1-related conditions. Algorithms developed to predict the effect of missense changes on protein structure and function are either unavailable or do not agree on the potential impact of this missense change (SIFT: "Tolerated"; PolyPhen-2: "Possibly Damaging"; Align-GVGD: "Class C0"). In summary, the available evidence is currently insufficient to determine the role of this variant in disease. Therefore, it has been classified as a Variant of Uncertain Significance.